The following is an entry in ClinVar:

ClinVar aggregate classification (germline): Uncertain significance (1 of 4 stars; one submission).

gnomAD v4.1: 57 of 1,551,370 alleles (0.0037%); highest among the groups gnomAD compares: African/African-American, 0.072%; no homozygotes.

Submission:

Ambry Genetics
Classification: Uncertain significance. Last evaluated: 2024-11-27. Review status: criteria provided, single submitter. Criteria: Ambry Variant Classification Scheme 2023. Collection method: clinical testing. Allele origin: germline.
Comment: The p.P589L variant (also known as c.1766C>T), located in coding exon 7 of the WNK2 gene, results from a C to T substitution at nucleotide position 1766. The proline at codon 589 is replaced by leucine, an amino acid with similar properties. This amino acid position is conserved. In addition, this alteration is predicted to be tolerated by in silico analysis. Based on the available evidence, the clinical significance of this variant remains unclear.

NM_006648.4(WNK2):c.1766C>T (p.Pro589Leu)

Gene: WNK2 (WNK lysine deficient protein kinase 2; plus strand). Cytogenetic location: 9q22.31.
Variant type: single nucleotide variant.
Coding change: c.1766C>T on transcript NM_006648.4 (MANE Select); coding-DNA position 1766, C replaced by T.
Protein change: p.Pro589Leu; replaces proline 589 with leucine.
Molecular consequence: missense variant.
Genome position (GRCh38, 1-based): chr9:93,247,766, C>T. VCF-style: chr9-93247766-C-T. GRCh37 (hg19) VCF-style: chr9-96010048-C-T.
Other names: c.1766C>T, p.Pro589Leu (NM_001282394.3); short protein forms P589L.
Identifiers: ClinVar variation 3470466 (VCV003470466.1).